The following is an entry in ClinVar:

NM_001034853.2(RPGR):c.2919_2939dup (p.970GEGEGEE[3])

Gene: RPGR (retinitis pigmentosa GTPase regulator; minus strand). Cytogenetic location: Xp11.4.
Variant type: Duplication.
Coding change: c.2919_2939dup on transcript NM_001034853.2 (MANE Select); coding-DNA positions 2919 to 2939, 21 bases duplicated (AGGGGAGGAAGGAGAAGGGGA).
Protein change: p.970GEGEGEE[3].
Molecular consequence: inframe insertion. On other transcripts: intron variant (8).
Genome position (GRCh38, 1-based): chrX:38,286,060-38,286,080, TCCCCTTCTCCTTCCTCCCCT duplicated on the plus strand (AGGGGAGGAAGGAGAAGGGGA on the coding strand, the reverse complement: RPGR is on the minus strand); duplicating any 21 consecutive bases within chrX:38,286,060-38,286,097 gives the same sequence; the c. name uses the placement nearest the transcript's 3' end. VCF-style (leftmost placement, unchanged base first): chrX-38286059-C-CTCCCCTTCTCCTTCCTCCCCT. GRCh37 (hg19) VCF-style: chrX-38145312-C-CTCCCCTTCTCCTTCCTCCCCT.
Other names: NM_001034853.2(RPGR):c.2919_2939dup; p.970GEGEGEE[3]; c.1569+4879_1569+4899dup (NM_001367249.1, NM_001367250.1); c.1902+1014_1902+1034dup (NM_001367245.1); c.1386+4879_1386+4899dup (NM_001367251.1); c.1719+1014_1719+1034dup (NM_001367246.1); c.1572+4879_1572+4899dup (NM_001367247.1); c.1905+1014_1905+1034dup (NM_000328.3); and 1 more.
Identifiers: ClinVar variation 1575633 (VCV001575633.13), dbSNP rs772859148, ClinGen allele CA10385230.

ClinVar aggregate classification (germline): Benign. Review status: reviewed by expert panel (3 of 4 stars). 4 submissions from 4 submitters: Benign (1). 3 of the submissions do not count toward it. Last evaluated 2025-09-05.

Conditions:
Retinitis pigmentosa 3. Also called: CHOROIDORETINAL DEGENERATION WITH RETINAL REFLEX IN HETEROZYGOUS WOMEN. Identifiers: Orphanet 791, MedGen C1845667, MONDO:0010227, OMIM 300029.
RPGR-related retinopathy. Also called: RPGR retinopathy. Identifiers: MedGen CN305589, MONDO:0100437.
Primary ciliary dyskinesia. Also called: Ciliary dyskinesia. Identifiers: Orphanet 244, MedGen C0008780, MONDO:0016575, HP:0012265.

Submissions (4):

ClinGen X-linked Inherited Retinal Disease Variant Curation Expert Panel, ClinGen
Classification: Benign for RPGR-related retinopathy. Last evaluated: 2025-09-05. Review status: reviewed by expert panel. Criteria: ClinGen X LinkedIRD ACMG Specifications RPGR V1.0.0. Collection method: curation. Allele origin: germline. Inheritance: X-linked inheritance.
Comment: NM_001034853.2(RPGR):c.2919_2939dup (p.Glu980_Gly981insGlyGluGluGlyGluGlyGlu) is a short in-frame insertion of 21 base pairs encoding additional residues between amino acids 980 and 981, located within a low-complexity region (PMID: 27162334) that extends approximately from amino acids 787–1043 in RPGR (BP3). This variant is present in gnomAD v4.1.0 at a frequency of 0.03305 among hemizygous individuals, with 4,635 variant alleles / 140,233 total hemizygous alleles, which is higher than the ClinGen X-linked IRD VCEP BA1 threshold of >0.00005 (BA1). This variant has been reported in at least 1 female proband diagnosed with retinitis pigmentosa 3, however, the requirements of functional visual abnormality and documentation of a male relative affected with retinitis pigmentosa are not available, so the proband was not considered for PS4. The variant has also been identified 13 times in an IRD cohort lacking phenotype details for specific cases (PMID: 32679846). The PS4 code cannot be evaluated since the variant has met BA1. In summary, this variant is classified as benign for RPGR-related retinopathy based on the ClinGen X-linked Inherited Retinal Disease Expert Panel Specifications to the ACMG/AMP Variant Interpretation Guidelines for RPGR Version 1.0.0; BA1 and BP3.

Labcorp Genetics (formerly Invitae), Labcorp
Classification: Likely benign for Primary ciliary dyskinesia. Last evaluated: 2026-02-04. Review status: criteria provided, single submitter. Criteria: Invitae Variant Classification Sherloc (09022015). Collection method: clinical testing. Allele origin: germline. Not counted in ClinVar's aggregate classification.

DBGen Ocular Genomics
Classification: Likely pathogenic for Retinitis pigmentosa 3. Last evaluated: 2022-01-01. Review status: criteria provided, single submitter. Criteria: ACMG Guidelines, 2015. Collection method: clinical testing. Allele origin: unknown. Inheritance: X-linked inheritance. Affected: yes. Not counted in ClinVar's aggregate classification.
Comment: Class 4 ACMG Guidelines, 2015

PreventionGenetics, part of Exact Sciences
Classification: Benign. Last evaluated: 2016-05-10. Review status: criteria provided, single submitter. Criteria: ACMG Guidelines, 2015. Collection method: clinical testing. Allele origin: germline. Not counted in ClinVar's aggregate classification.